The following is an entry in ClinVar:

ClinVar aggregate classification (germline): Uncertain significance (1 of 4 stars; one submission).

Conditions:
Cardiovascular phenotype. Identifiers: MedGen CN230736.

Allele frequency attached by ClinVar (database versions not stated): TOPMed below 0.00001; gnomAD 0.00001.
gnomAD v4.1: 3 of 1,420,410 alleles (0.00021%); highest among the groups gnomAD compares: South Asian, 0.0029%; no homozygotes.

Submission:

Ambry Genetics
Classification: Uncertain significance for Cardiovascular phenotype. Last evaluated: 2023-07-29. Review status: criteria provided, single submitter. Criteria: Ambry Variant Classification Scheme 2023. Collection method: clinical testing. Allele origin: germline.
Comment: The p.A84T variant (also known as c.250G>A), located in coding exon 1 of the HCN4 gene, results from a G to A substitution at nucleotide position 250. The alanine at codon 84 is replaced by threonine, an amino acid with similar properties. This amino acid position is conserved. In addition, this alteration is predicted to be tolerated by in silico analysis. Since supporting evidence is limited at this time, the clinical significance of this alteration remains unclear.

NM_005477.3(HCN4):c.250G>A (p.Ala84Thr)

Gene: HCN4 (hyperpolarization activated cyclic nucleotide gated potassium channel 4; minus strand). Cytogenetic location: 15q24.1.
Variant type: single nucleotide variant.
Coding change: c.250G>A on transcript NM_005477.3 (MANE Select); coding-DNA position 250, G replaced by A.
Protein change: p.Ala84Thr; replaces alanine 84 with threonine.
Molecular consequence: missense variant.
Genome position (GRCh38, 1-based): chr15:73,368,021, C>T on the plus strand (G>A on the coding strand, the complement: HCN4 is on the minus strand). VCF-style: chr15-73368021-C-T. GRCh37 (hg19) VCF-style: chr15-73660362-C-T.
Other names: short protein forms A84T.
Identifiers: ClinVar variation 2626615 (VCV002626615.2), dbSNP rs1266912247, ClinGen allele CA393098595.